The following is an entry in ClinVar:

NM_000465.4(BARD1):c.1307C>G (p.Ser436Cys)

Gene: BARD1 (BRCA1 associated RING domain 1; minus strand). Cytogenetic location: 2q35.
Variant type: single nucleotide variant.
Coding change: c.1307C>G on transcript NM_000465.4 (MANE Select); coding-DNA position 1307, C replaced by G.
Protein change: p.Ser436Cys; replaces serine 436 with cysteine.
Molecular consequence: missense variant. On other transcripts: non-coding transcript variant (2), intron variant (3).
Genome position (GRCh38, 1-based): chr2:214,780,567, G>C on the plus strand (C>G on the coding strand, the complement: BARD1 is on the minus strand). VCF-style: chr2-214780567-G-C. GRCh37 (hg19) VCF-style: chr2-215645291-G-C.
Other names: c.1250C>G, p.Ser417Cys (NM_001282543.2); c.159-28012C>G (NM_001282548.2); c.215+16494C>G (NM_001282545.2); c.364+11730C>G (NM_001282549.2); c.1307C>G (NM_000465.2); short protein forms S417C, S436C.
Identifiers: ClinVar variation 919112 (VCV000919112.16), dbSNP rs752234478, ClinGen allele CA2090310.

ClinVar aggregate classification (germline): Uncertain significance. Review status: criteria provided, multiple submitters, no conflicts (2 of 4 stars). 5 submissions from 5 submitters: Uncertain significance (5). Last evaluated 2025-09-15.

Conditions:
Hereditary cancer-predisposing syndrome. Also called: Neoplastic Syndromes, Hereditary; Tumor predisposition; Hereditary Cancer Syndrome; Hereditary neoplastic syndrome. Identifiers: Orphanet 140162, MedGen C0027672, MeSH D009386, MONDO:0015356.
Familial cancer of breast. Also called: BREAST CANCER, FAMILIAL; Hereditary breast cancer; hereditary breast carcinoma. Identifiers: Orphanet 227535, MedGen C0346153, MONDO:0016419, OMIM 114480. Disease mechanism: loss of function.

Allele frequency attached by ClinVar (database versions not stated): ExAC 0.00001; gnomAD exomes 0.00001.
gnomAD v4.1: 5 of 1,613,450 alleles (0.00031%); highest among the groups gnomAD compares: Non-Finnish European, 0.00025%; no homozygotes.

Submissions (5):

Labcorp Genetics (formerly Invitae), Labcorp
Classification: Uncertain significance for Familial cancer of breast. Last evaluated: 2025-09-15. Review status: criteria provided, single submitter. Criteria: Invitae Variant Classification Sherloc (09022015). Collection method: clinical testing. Allele origin: germline.
Comment: This sequence change replaces serine, which is neutral and polar, with cysteine, which is neutral and slightly polar, at codon 436 of the BARD1 protein (p.Ser436Cys). This variant is present in population databases (rs752234478, gnomAD 0.002%). This variant has not been reported in the literature in individuals affected with BARD1-related conditions. ClinVar contains an entry for this variant (Variation ID: 919112). An algorithm developed to predict the effect of missense changes on protein structure and function (PolyPhen-2) suggests that this variant is likely to be tolerated. In summary, the available evidence is currently insufficient to determine the role of this variant in disease. Therefore, it has been classified as a Variant of Uncertain Significance.

Center for Genomic Medicine, Rigshospitalet, Copenhagen University Hospital
Classification: Uncertain significance. Last evaluated: 2025-03-04. Review status: criteria provided, single submitter. Criteria: ACMG Guidelines, 2015. Collection method: clinical testing. Allele origin: germline.

Ambry Genetics
Classification: Uncertain significance for Hereditary cancer-predisposing syndrome. Last evaluated: 2024-04-15. Review status: criteria provided, single submitter. Criteria: Ambry Variant Classification Scheme 2023. Collection method: clinical testing. Allele origin: germline.
Comment: The p.S436C variant (also known as c.1307C>G), located in coding exon 4 of the BARD1 gene, results from a C to G substitution at nucleotide position 1307. The serine at codon 436 is replaced by cysteine, an amino acid with dissimilar properties. This amino acid position is well conserved in available vertebrate species. In addition, this alteration is predicted to be tolerated by in silico analysis. Since supporting evidence is limited at this time, the clinical significance of this alteration remains unclear.

Color Diagnostics, LLC DBA Color Health
Classification: Uncertain significance for Hereditary cancer-predisposing syndrome. Last evaluated: 2023-12-05. Review status: criteria provided, single submitter. Criteria: ACMG Guidelines, 2015. Collection method: clinical testing. Allele origin: germline.
Comment: This missense variant replaces serine with cysteine at codon 436 of the BARD1 protein. Computational prediction suggests that this variant may not impact protein structure and function (internally defined REVEL score threshold <= 0.5, PMID: 27666373). To our knowledge, functional studies have not been reported for this variant. This variant has not been reported in individuals affected with BARD1-related disorders in the literature. This variant has been identified in 2/250698 chromosomes in the general population by the Genome Aggregation Database (gnomAD). The available evidence is insufficient to determine the role of this variant in disease conclusively. Therefore, this variant is classified as a Variant of Uncertain Significance.

GeneDx
Classification: Uncertain significance. Last evaluated: 2022-11-16. Review status: criteria provided, single submitter. Criteria: GeneDx Variant Classification Process June 2021. Collection method: clinical testing. Allele origin: germline. Affected: yes.
Comment: Not observed at significant frequency in large population cohorts (gnomAD); In silico analysis supports that this missense variant does not alter protein structure/function; Has not been previously published as pathogenic or benign to our knowledge; This variant is associated with the following publications: (PMID: 18480049, 31036035)